The following is an entry in ClinVar:

NM_015602.4(TOR1AIP1):c.763C>T (p.Gln255Ter)

Gene: TOR1AIP1 (torsin 1A interacting protein 1; plus strand). Cytogenetic location: 1q25.2.
Variant type: single nucleotide variant.
Coding change: c.763C>T on transcript NM_015602.4 (MANE Select); coding-DNA position 763, C replaced by T.
Protein change: p.Gln255Ter; replaces glutamine 255 with a stop codon.
Molecular consequence: nonsense.
Genome position (GRCh38, 1-based): chr1:179,903,989, C>T. VCF-style: chr1-179903989-C-T. GRCh37 (hg19) VCF-style: chr1-179873124-C-T.
Other names: c.766C>T, p.Gln256Ter (NM_001267578.2); short protein forms Q256*, Q255*.
Identifiers: ClinVar variation 862996 (VCV000862996.1), dbSNP rs1648544786, ClinGen allele CA343566595.

ClinVar aggregate classification (germline): Pathogenic (1 of 4 stars; one submission).

Conditions:
Autosomal recessive limb-girdle muscular dystrophy type 2Y (MRRSDC). Also called: Muscular dystrophy, limb-girdle, type 2y; Muscular dystrophy, autosomal recessive, with rigid spine and distal joint contractures. Identifiers: Orphanet 424261, MedGen C4511482, MONDO:0014900, OMIM 617072.

Submission:

Labcorp Genetics (formerly Invitae), Labcorp
Classification: Pathogenic for Muscular dystrophy, limb-girdle, type 2y. Last evaluated: 2019-01-23. Review status: criteria provided, single submitter. Criteria: Invitae Variant Classification Sherloc (09022015). Collection method: clinical testing. Allele origin: germline.
Comment: This sequence change creates a premature translational stop signal (p.Gln256*) in the TOR1AIP1 gene. It is expected to result in an absent or disrupted protein product. This variant is not present in population databases (ExAC no frequency). This variant has not been reported in the literature in individuals with TOR1AIP1-related conditions. Loss-of-function variants in TOR1AIP1 are known to be pathogenic (PMID: 4856141, 27342937). For these reasons, this variant has been classified as Pathogenic.